The following is an entry in ClinVar:

ClinVar aggregate classification (germline): Pathogenic (1 of 4 stars; one submission).

Submission:

Quest Diagnostics Nichols Institute San Juan Capistrano
Classification: Pathogenic. Last evaluated: 2023-08-18. Review status: criteria provided, single submitter. Criteria: ACMG/ClinGen CNV Guidelines, 2019. Collection method: clinical testing. Allele origin: unknown.
Comment: This loss contains gene SHANK3 (OMIM 606230), haploinsufficiency of which is associated with Phelan-McDermid syndrome (OMIM 606232; CCID:007842; Bonaglia 2011, Phelan 2018, Xu 2020). Thus, based on current medical literature this copy number variant (CNV) is classified as pathogenic. References: Bonaglia et al., PLoS Genet. 2011 Jul;7(7):e1002173. PMID: 21779178; Phelan et al., GeneReviews [Internet]., 7 Jun 2018. PMID: 20301377; Xu et al., Orphanet J Rare Dis. 2020 Nov 30;15(1):335. PMID: 33256793

GRCh37/hg19 22q13.33(chr22:50190425-51183767)x1

Genes: ACR (acrosin; plus strand), ADM2 (adrenomedullin 2; plus strand), CPT1B (carnitine palmitoyltransferase 1B; minus strand), CRELD2 (cysteine rich with EGF like domains 2; plus strand), DENND6B (DENN domain containing 6B; minus strand) and 30 more. Cytogenetic location: 22q13.33.
Variant type: copy number loss.
Change: copy number 1 (one copy instead of two) of chr22:50,190,425-51,183,767 (993.3 kb, GRCh37 coordinates, 1-based), cytogenetic band 22q13.33.
Identifiers: ClinVar variation 565012 (VCV000565012.1).